The following is an entry in ClinVar:

NM_001042492.3(NF1):c.6784G>T (p.Gly2262Trp)

Gene: NF1 (neurofibromin 1; plus strand). Cytogenetic location: 17q11.2.
Variant type: single nucleotide variant.
Coding change: c.6784G>T on transcript NM_001042492.3 (MANE Select); coding-DNA position 6784, G replaced by T.
Protein change: p.Gly2262Trp; replaces glycine 2262 with tryptophan.
Molecular consequence: missense variant.
Genome position (GRCh38, 1-based): chr17:31,338,104, G>T. VCF-style: chr17-31338104-G-T. GRCh37 (hg19) VCF-style: chr17-29665122-G-T.
Other names: c.6721G>T, p.Gly2241Trp (NM_000267.4); short protein forms G2241W, G2262W.
Identifiers: ClinVar variation 480114 (VCV000480114.14), dbSNP rs1392981001, ClinGen allele CA399014149.

ClinVar aggregate classification (germline): Conflicting classifications of pathogenicity. Review status: criteria provided, conflicting classifications (1 of 4 stars). 5 submissions from 5 submitters: Uncertain significance (4); Likely benign (1). Last evaluated 2025-09-09.

Conditions:
Cardiovascular phenotype. Identifiers: MedGen CN230736.
Hereditary cancer-predisposing syndrome. Also called: Hereditary neoplastic syndrome; Neoplastic Syndromes, Hereditary; Tumor predisposition; Hereditary Cancer Syndrome. Identifiers: Orphanet 140162, MedGen C0027672, MeSH D009386, MONDO:0015356.
Juvenile myelomonocytic leukemia (JMML). Also called: LEUKEMIA, JUVENILE MYELOMONOCYTIC, SOMATIC. Identifiers: Orphanet 86834, MedGen C0349639, MONDO:0011908, OMIM 607785, HP:0012209.
Neurofibromatosis-Noonan syndrome (NFNS). Also called: NEUROFIBROMATOSIS WITH NOONAN PHENOTYPE. Identifiers: Orphanet 638, MedGen C2931482, MONDO:0011035, OMIM 601321. Disease mechanism: loss of function.
Neurofibromatosis, familial spinal (FSNF). Identifiers: Orphanet 636, MedGen C1834235, MONDO:0008078, OMIM 162210. Disease mechanism: loss of function.
Neurofibromatosis, type 1 (NF1). Also called: VON RECKLINGHAUSEN DISEASE; Peripheral type neurofibromatosis; NEUROFIBROMATOSIS, TYPE I, SOMATIC; Neurofibromatosis, type I. Identifiers: Orphanet 636, MedGen C0027831, MONDO:0018975, OMIM 162200. Disease mechanism: loss of function.
Café-au-lait macules with pulmonary stenosis (WTSN). Also called: PULMONIC STENOSIS WITH CAFE-AU-LAIT SPOTS. Identifiers: MedGen C0553586, MONDO:0008672, OMIM 193520.

Allele frequency attached by ClinVar (database versions not stated): gnomAD exomes below 0.00001; TOPMed 0.00001.
gnomAD v4.1: 2 of 1,613,848 alleles (0.00012%); highest among the groups gnomAD compares: Non-Finnish European, 0.00017%; no homozygotes.

Submissions (5):

Labcorp Genetics (formerly Invitae), Labcorp
Classification: Likely benign for Neurofibromatosis, type 1. Last evaluated: 2025-09-09. Review status: criteria provided, single submitter. Criteria: Invitae Variant Classification Sherloc (09022015). Collection method: clinical testing. Allele origin: germline.

Fulgent Genetics
Classification: Uncertain significance for Neurofibromatosis, type 1; Neurofibromatosis, familial spinal; Café-au-lait macules with pulmonary stenosis; Neurofibromatosis-Noonan syndrome; Juvenile myelomonocytic leukemia. Last evaluated: 2024-03-06. Review status: criteria provided, single submitter. Criteria: ACMG Guidelines, 2015. Collection method: clinical testing. Allele origin: germline.

Ambry Genetics
Classification: Uncertain significance for Cardiovascular phenotype; Hereditary cancer-predisposing syndrome. Last evaluated: 2024-01-05. Review status: criteria provided, single submitter. Criteria: Ambry Variant Classification Scheme 2023. Collection method: clinical testing. Allele origin: germline.
Comment: The p.G2241W variant (also known as c.6721G>T), located in coding exon 44 of the NF1 gene, results from a G to T substitution at nucleotide position 6721. The glycine at codon 2241 is replaced by tryptophan, an amino acid with highly dissimilar properties. This amino acid position is highly conserved in available vertebrate species. In addition, this alteration is predicted to be deleterious by in silico analysis. Since supporting evidence is limited at this time, the clinical significance of this alteration remains unclear.

GeneDx
Classification: Uncertain significance. Last evaluated: 2022-11-29. Review status: criteria provided, single submitter. Criteria: GeneDx Variant Classification Process June 2021. Collection method: clinical testing. Allele origin: germline. Affected: yes.
Comment: In silico analysis supports that this missense variant has a deleterious effect on protein structure/function; Has not been previously published as pathogenic or benign to our knowledge

Genome-Nilou Lab
Classification: Uncertain significance for Neurofibromatosis, type 1. Last evaluated: 2022-03-15. Review status: criteria provided, single submitter. Criteria: ACMG Guidelines, 2015. Collection method: clinical testing. Allele origin: germline. Affected: no.